The following is an entry in ClinVar:

ClinVar aggregate classification (germline): Uncertain significance. Review status: criteria provided, multiple submitters, no conflicts (2 of 4 stars). 7 submissions from 4 submitters: Uncertain significance (7). Last evaluated 2025-12-29.

Conditions:
Basal laminar drusen. Also called: DRUSEN OF BRUCH MEMBRANE; DRUSEN, CUTICULAR; DRUSEN, EARLY ADULT-ONSET, GROUPED. Identifiers: Orphanet 75376, MedGen C0730295, MONDO:0007472, OMIM 126700.
Hemolytic uremic syndrome, atypical, susceptibility to, 1. Also called: AHUS, SUSCEPTIBILITY TO, 1. Identifiers: Orphanet 2134, Orphanet 90038, MedGen C2749604, MONDO:0009335, OMIM 235400. Disease mechanism: Other.
Factor H deficiency (CFHD). Also called: CFH DEFICIENCY; COMPLEMENT FACTOR H DEFICIENCY. Identifiers: Orphanet 200421, MedGen C0398777, MONDO:0012350, OMIM 609814.
Atypical hemolytic-uremic syndrome. Identifiers: Orphanet 2134, MedGen C2931788, MONDO:0016244.
Age related macular degeneration 4. Identifiers: MedGen C1853147, MONDO:0012540, OMIM 610698.

Allele frequency attached by ClinVar (database versions not stated): gnomAD 0.00001; TOPMed 0.00001; ExAC 0.00002; gnomAD exomes 0.00002; ESP Exome Variant Server 0.00008.
gnomAD v4.1: 25 of 1,613,698 alleles (0.0015%); highest among the groups gnomAD compares: South Asian, 0.0033%; no homozygotes.

Submissions (7):

Labcorp Genetics (formerly Invitae), Labcorp
Classification: Uncertain significance. Last evaluated: 2025-12-29. Review status: criteria provided, single submitter. Criteria: Invitae Variant Classification Sherloc (09022015). Collection method: clinical testing. Allele origin: germline.
Comment: This sequence change replaces arginine, which is basic and polar, with histidine, which is basic and polar, at codon 582 of the CFH protein (p.Arg582His). This variant is present in population databases (rs138890387, gnomAD 0.003%). This missense change has been observed in individual(s) with atypical hemolytic uremic syndrome (PMID: 23307876). ClinVar contains an entry for this variant (Variation ID: 1676855). An algorithm developed to predict the effect of missense changes on protein structure and function (PolyPhen-2) suggests that this variant is likely to be tolerated. In summary, the available evidence is currently insufficient to determine the role of this variant in disease. Therefore, it has been classified as a Variant of Uncertain Significance.

Genomenon, Inc
Classification: Uncertain significance for Atypical hemolytic-uremic syndrome. Last evaluated: 2025-10-02. Review status: criteria provided, single submitter. Criteria: Genomenon Sequence Variant Interpretation Standards - Updated. Collection method: curation. Allele origin: germline. Affected: yes.
Comment: CFH p.Arg582His (c.1745G>A) is a missense variant that changes the amino acid at residue 582 from Arginine to Histidine. This variant has been observed in at least one proband affected with atypical hemolytic-uremic syndrome (PMID:23307876). Functional studies have been reported (PMID:34189567). It is absent or not present at a significant frequency in gnomAD. In silico models agree that this variant is not damaging. In conclusion, we classify CFH p.Arg582His (c.1745G>A) as a variant of uncertain significance.

GeneDx
Classification: Uncertain significance. Last evaluated: 2025-03-26. Review status: criteria provided, single submitter. Criteria: GeneDx Variant Classification Process June 2021. Collection method: clinical testing. Allele origin: germline. Affected: yes.
Comment: Has been reported in association with atypical hemolytic uremic syndrome but no other specific clinical information was provided in this report (PMID: 23307876); In silico analysis indicates that this missense variant does not alter protein structure/function; This variant is associated with the following publications: (PMID: 34426522, Geerlings_2018_Dissertation, Ji_2018_Article, 34189567, 23307876, 30476936)

Genome-Nilou Lab
Classification: Uncertain significance for Hemolytic uremic syndrome, atypical, susceptibility to, 1. Last evaluated: 2023-04-11. Review status: criteria provided, single submitter. Criteria: ACMG Guidelines, 2015. Collection method: clinical testing. Allele origin: germline. Affected: no.

Genome-Nilou Lab
Classification: Uncertain significance for Age related macular degeneration 4. Last evaluated: 2023-04-11. Review status: criteria provided, single submitter. Criteria: ACMG Guidelines, 2015. Collection method: clinical testing. Allele origin: germline. Affected: no.

Genome-Nilou Lab
Classification: Uncertain significance for Basal laminar drusen. Last evaluated: 2023-04-11. Review status: criteria provided, single submitter. Criteria: ACMG Guidelines, 2015. Collection method: clinical testing. Allele origin: germline. Affected: no.

Genome-Nilou Lab
Classification: Uncertain significance for Factor H deficiency. Last evaluated: 2023-04-11. Review status: criteria provided, single submitter. Criteria: ACMG Guidelines, 2015. Collection method: clinical testing. Allele origin: germline. Affected: no.

Literature cited by the submitters: PubMed 23307876 (cited by Labcorp Genetics (formerly Invitae), Labcorp and Genomenon, Inc); PubMed 34189567 (cited by Genomenon, Inc).

NM_000186.4(CFH):c.1745G>A (p.Arg582His)

Gene: CFH (complement factor H; plus strand). Cytogenetic location: 1q31.3.
Variant type: single nucleotide variant.
Coding change: c.1745G>A on transcript NM_000186.4 (MANE Select); coding-DNA position 1745, G replaced by A.
Protein change: p.Arg582His; replaces arginine 582 with histidine.
Molecular consequence: missense variant.
Genome position (GRCh38, 1-based): chr1:196,725,169, G>A. VCF-style: chr1-196725169-G-A. GRCh37 (hg19) VCF-style: chr1-196694299-G-A.
Other names: short protein forms R582H.
Identifiers: ClinVar variation 1676855 (VCV001676855.9), dbSNP rs138890387, ClinGen allele CA1305477.